The following is an entry in ClinVar:

NM_000093.5(COL5A1):c.2608C>T (p.Pro870Ser)

Gene: COL5A1 (collagen type V alpha 1 chain; plus strand). Cytogenetic location: 9q34.3.
Variant type: single nucleotide variant.
Coding change: c.2608C>T on transcript NM_000093.5 (MANE Select); coding-DNA position 2608, C replaced by T.
Protein change: p.Pro870Ser; replaces proline 870 with serine.
Molecular consequence: missense variant.
Genome position (GRCh38, 1-based): chr9:134,786,010, C>T. VCF-style: chr9-134786010-C-T. GRCh37 (hg19) VCF-style: chr9-137677856-C-T.
Other names: c.2608C>T, p.Pro870Ser (NM_001278074.1); short protein forms P870S.
Identifiers: ClinVar variation 3683390 (VCV003683390.2).

ClinVar aggregate classification (germline): Uncertain significance (1 of 4 stars; one submission).

Conditions:
Ehlers-Danlos syndrome, classic type, 1 (EDSCL1). Also called: EHLERS-DANLOS SYNDROME, GRAVIS TYPE; EHLERS-DANLOS SYNDROME, SEVERE CLASSIC TYPE; Ehlers-Danlos syndrome, type 1; Ehlers-Danlos Syndrome, Classic Type, COL5A1-Related; EDS I. Identifiers: MedGen C0268335, MONDO:0019567, OMIM 130000.

gnomAD v4.1: 2 of 1,613,208 alleles (0.00012%); highest among the groups gnomAD compares: Non-Finnish European, 0.000085%; no homozygotes.

Submission:

Labcorp Genetics (formerly Invitae), Labcorp
Classification: Uncertain significance for Ehlers-Danlos syndrome, classic type, 1. Last evaluated: 2024-05-23. Review status: criteria provided, single submitter. Criteria: Invitae Variant Classification Sherloc (09022015). Collection method: clinical testing. Allele origin: germline.
Comment: This sequence change replaces proline, which is neutral and non-polar, with serine, which is neutral and polar, at codon 870 of the COL5A1 protein (p.Pro870Ser). This variant is not present in population databases (gnomAD no frequency). This variant has not been reported in the literature in individuals affected with COL5A1-related conditions. Advanced modeling of protein sequence and biophysical properties (such as structural, functional, and spatial information, amino acid conservation, physicochemical variation, residue mobility, and thermodynamic stability) has been performed at Invitae for this missense variant, however the output from this modeling did not meet the statistical confidence thresholds required to predict the impact of this variant on COL5A1 protein function. In summary, the available evidence is currently insufficient to determine the role of this variant in disease. Therefore, it has been classified as a Variant of Uncertain Significance.